The following is an entry in ClinVar:

NM_002230.4(JUP):c.844C>T (p.Pro282Ser)

Gene: JUP (junction plakoglobin; minus strand). Cytogenetic location: 17q21.2.
Variant type: single nucleotide variant.
Coding change: c.844C>T on transcript NM_002230.4 (MANE Select); coding-DNA position 844, C replaced by T.
Protein change: p.Pro282Ser; replaces proline 282 with serine.
Molecular consequence: missense variant.
Genome position (GRCh38, 1-based): chr17:41,767,444, G>A on the plus strand (C>T on the coding strand, the complement: JUP is on the minus strand). VCF-style: chr17-41767444-G-A. GRCh37 (hg19) VCF-style: chr17-39923696-G-A.
Other names: c.844C>T, p.Pro282Ser (NM_001352773.2, NM_001352774.2, NM_001352775.2 and 3 more transcripts); short protein forms P282S.
Identifiers: ClinVar variation 5022912 (VCV005022912.1).

ClinVar aggregate classification (germline): Uncertain significance (1 of 4 stars; one submission).

Conditions:
Cardiovascular phenotype. Identifiers: MedGen CN230736.

Submission:

Ambry Genetics
Classification: Uncertain significance for Cardiovascular phenotype. Last evaluated: 2026-06-15. Review status: criteria provided, single submitter. Criteria: Ambry Variant Classification Scheme 2023. Collection method: clinical testing. Allele origin: germline.
Comment: The p.P282S variant (also known as c.844C>T), located in coding exon 4 of the JUP gene, results from a C to T substitution at nucleotide position 844. The proline at codon 282 is replaced by serine, an amino acid with similar properties. This amino acid position is conserved. In addition, this alteration is predicted to be tolerated by in silico analysis. Based on the available evidence, the clinical significance of this variant remains unclear.